The following is an entry in ClinVar:

NM_000059.4(BRCA2):c.7091A>T (p.Glu2364Val)

Gene: BRCA2 (BRCA2 DNA repair associated; plus strand). Cytogenetic location: 13q13.1.
Variant type: single nucleotide variant.
Coding change: c.7091A>T on transcript NM_000059.4 (MANE Select); coding-DNA position 7091, A replaced by T.
Protein change: p.Glu2364Val; replaces glutamic acid 2364 with valine.
Molecular consequence: missense variant. On other transcripts: non-coding transcript variant (1).
Genome position (GRCh38, 1-based): chr13:32,354,944, A>T. VCF-style: chr13-32354944-A-T. GRCh37 (hg19) VCF-style: chr13-32929081-A-T.
Other names: c.6995A>T, p.Glu2332Val (NM_001406719.1); c.7091A>T, p.Glu2364Val (NM_001406720.1, NM_001432077.1); c.2159A>T, p.Glu720Val (NM_001406721.1); c.674A>T, p.Glu225Val (NM_001406722.1); short protein forms E720V, E225V, E2332V, E2364V.
Identifiers: ClinVar variation 4629331 (VCV004629331.1).
Genomic context (GRCh38, chr13:32,354,944, plus strand): 5'-TACAGAATCCAAATTTTACCGCACCTGGTCAAGAATTTCTGTCTAAATCTCATTTGTATG[A>T]ACATCTGACTTTGGAAAAATCTTCAAGCAATTTAGCAGTTTCAGGACATCCATTTTATCA-3'
Protein context (NP_000050.3, residues 2354-2374): QEFLSKSHLY[Glu2364Val]HLTLEKSSSN

ClinVar aggregate classification (germline): Uncertain significance (1 of 4 stars; one submission).

Conditions:
Hereditary cancer-predisposing syndrome. Also called: Neoplastic Syndromes, Hereditary; Tumor predisposition; Hereditary Cancer Syndrome; Hereditary neoplastic syndrome. Identifiers: Orphanet 140162, MedGen C0027672, MeSH D009386, MONDO:0015356.

Submission:

Ambry Genetics
Classification: Uncertain significance for Hereditary cancer-predisposing syndrome. Last evaluated: 2025-11-24. Review status: criteria provided, single submitter. Criteria: Ambry Variant Classification Scheme 2023. Collection method: clinical testing. Allele origin: germline.
Comment: The p.E2364V variant (also known as c.7091A>T), located in coding exon 13 of the BRCA2 gene, results from an A to T substitution at nucleotide position 7091. The glutamic acid at codon 2364 is replaced by valine, an amino acid with dissimilar properties. This amino acid position is conserved. In addition, the in silico prediction for this alteration is inconclusive. Based on the available evidence, the clinical significance of this variant remains unclear.